The following is an entry in ClinVar:

NM_003482.4(KMT2D):c.1782_1783dup (p.Glu595fs)

Gene: KMT2D (lysine methyltransferase 2D; minus strand). Cytogenetic location: 12q13.12.
Variant type: Duplication.
Coding change: c.1782_1783dup on transcript NM_003482.4 (MANE Select); coding-DNA positions 1782 to 1783, 2 bases duplicated (GG; older notation c.1782_1783dupGG).
Protein change: p.Glu595fs; shifts the reading frame from glutamic acid 595.
Molecular consequence: frameshift variant.
Genome position (GRCh38, 1-based): chr12:49,051,900-49,051,901, CC duplicated on the plus strand (GG on the coding strand, the reverse complement: KMT2D is on the minus strand). VCF-style (leftmost placement, unchanged base first): chr12-49051899-T-TCC. GRCh37 (hg19) VCF-style: chr12-49445682-T-TCC.
Other names: c.1782_1783dupGG (NM_003482.3); short protein forms E595fs.
Identifiers: ClinVar variation 2637283 (VCV002637283.1), dbSNP rs2498457776, ClinGen allele CA2695199082.

ClinVar aggregate classification (germline): Pathogenic (1 of 4 stars; one submission).

Conditions:
KMT2D-related disorder. Also called: KMT2D-Related Disorders.

Submission:

PreventionGenetics, part of Exact Sciences
Classification: Pathogenic for KMT2D-related condition. Last evaluated: 2022-10-27. Review status: criteria provided, single submitter. Criteria: ACMG Guidelines, 2015. Collection method: clinical testing. Allele origin: germline.
Comment: The KMT2D c.1782_1783dupGG variant is predicted to result in a frameshift and premature protein termination (p.Glu595Glyfs*336). To our knowledge, this variant has not been reported in the literature or in a large population database, indicating this variant is rare. Frameshift variants in KMT2D are expected to be pathogenic. This variant is interpreted as pathogenic.